The following is an entry in ClinVar:

ClinVar aggregate classification (germline): Uncertain significance (1 of 4 stars; one submission).

Conditions:
Autosomal dominant polycystic kidney disease. Identifiers: Orphanet 730, MedGen C0085413, MONDO:0004691.

Allele frequency attached by ClinVar (database versions not stated): ExAC 0.00001; gnomAD exomes 0.00001 and 0.00002.
gnomAD v4.1: 6 of 1,614,160 alleles (0.00037%); highest among the groups gnomAD compares: Admixed American, 0.01%; no homozygotes.

Submission:

Labcorp Genetics (formerly Invitae), Labcorp
Classification: Uncertain significance for Autosomal dominant polycystic kidney disease. Last evaluated: 2021-08-10. Review status: criteria provided, single submitter. Criteria: Invitae Variant Classification Sherloc (09022015). Collection method: clinical testing. Allele origin: germline.
Comment: This variant is present in population databases (rs750360835, ExAC 0.009%). This sequence change replaces proline with leucine at codon 939 of the PKD2 protein (p.Pro939Leu). The proline residue is moderately conserved and there is a moderate physicochemical difference between proline and leucine. Algorithms developed to predict the effect of missense changes on protein structure and function are either unavailable or do not agree on the potential impact of this missense change (SIFT: "Deleterious"; PolyPhen-2: "Possibly Damaging"; Align-GVGD: "Class C0"). In summary, the available evidence is currently insufficient to determine the role of this variant in disease. Therefore, it has been classified as a Variant of Uncertain Significance. This variant has not been reported in the literature in individuals affected with PKD2-related conditions.

NM_000297.4(PKD2):c.2816C>T (p.Pro939Leu)

Gene: PKD2 (polycystin 2, transient receptor potential cation channel; plus strand). Cytogenetic location: 4q22.1.
Variant type: single nucleotide variant.
Coding change: c.2816C>T on transcript NM_000297.4 (MANE Select); coding-DNA position 2816, C replaced by T.
Protein change: p.Pro939Leu; replaces proline 939 with leucine.
Molecular consequence: missense variant. On other transcripts: non-coding transcript variant (1).
Genome position (GRCh38, 1-based): chr4:88,075,603, C>T. VCF-style: chr4-88075603-C-T. GRCh37 (hg19) VCF-style: chr4-88996755-C-T.
Other names: short protein forms P939L.
Identifiers: ClinVar variation 1398571 (VCV001398571.6), dbSNP rs750360835, ClinGen allele CA3004367.